The following is an entry in ClinVar:

ClinVar aggregate classification (germline): Uncertain significance. Review status: criteria provided, single submitter (1 of 4 stars). 2 submissions from 2 submitters: Uncertain significance (1). 1 of the submissions does not count toward it. Last evaluated 2024-03-04.

Conditions:
NLRP12-related disorder. Also called: NLRP12-related conditions; NLRP12-related condition.
Familial cold autoinflammatory syndrome 2 (FCAS2). Identifiers: Orphanet 247868, MedGen C2673198, MONDO:0012724, OMIM 611762.

gnomAD v4.1: 4 of 1,614,156 alleles (0.00025%); no homozygotes.

Submissions (2):

Labcorp Genetics (formerly Invitae), Labcorp
Classification: Uncertain significance for Familial cold autoinflammatory syndrome 2. Last evaluated: 2024-03-04. Review status: criteria provided, single submitter. Criteria: Invitae Variant Classification Sherloc (09022015). Collection method: clinical testing. Allele origin: germline.
Comment: This sequence change replaces glycine, which is neutral and non-polar, with arginine, which is basic and polar, at codon 237 of the NLRP12 protein (p.Gly237Arg). This variant is present in population databases (no rsID available, gnomAD 0.004%). This variant has not been reported in the literature in individuals affected with NLRP12-related conditions. Advanced modeling of protein sequence and biophysical properties (such as structural, functional, and spatial information, amino acid conservation, physicochemical variation, residue mobility, and thermodynamic stability) performed at Invitae indicates that this missense variant is expected to disrupt NLRP12 protein function with a positive predictive value of 80%. In summary, the available evidence is currently insufficient to determine the role of this variant in disease. Therefore, it has been classified as a Variant of Uncertain Significance.

PreventionGenetics, part of Exact Sciences
Classification: Uncertain significance for NLRP12-related condition. Last evaluated: 2024-01-11. Review status: no assertion criteria provided. Collection method: clinical testing. Allele origin: germline. Not counted in ClinVar's aggregate classification.
Comment: The NLRP12 c.709G>C variant is predicted to result in the amino acid substitution p.Gly237Arg. To our knowledge, this variant has not been reported in the literature. This variant is reported in 0.0046% of alleles in individuals of European (Finnish) descent in gnomAD. At this time, the clinical significance of this variant is uncertain due to the absence of conclusive functional and genetic evidence.

NM_144687.4(NLRP12):c.709G>C (p.Gly237Arg)

Gene: NLRP12 (NLR family pyrin domain containing 12; minus strand). Cytogenetic location: 19q13.42.
Variant type: single nucleotide variant.
Coding change: c.709G>C on transcript NM_144687.4 (MANE Select); coding-DNA position 709, G replaced by C.
Protein change: p.Gly237Arg; replaces glycine 237 with arginine.
Molecular consequence: missense variant.
Genome position (GRCh38, 1-based): chr19:53,810,950, C>G on the plus strand (G>C on the coding strand, the complement: NLRP12 is on the minus strand). VCF-style: chr19-53810950-C-G. GRCh37 (hg19) VCF-style: chr19-54314204-C-G.
Other names: c.709G>C, p.Gly237Arg (NM_001277126.2, NM_001277129.1); c.709G>C (NM_144687.3); short protein forms G237R.
Identifiers: ClinVar variation 2854807 (VCV002854807.5), dbSNP rs373956169, ClinGen allele CA407415984.